The following is an entry in ClinVar:

NM_018489.3(ASH1L):c.3408G>T (p.Leu1136Phe)

Gene: ASH1L (ASH1 like histone lysine methyltransferase; minus strand). Cytogenetic location: 1q22.
Variant type: single nucleotide variant.
Coding change: c.3408G>T on transcript NM_018489.3 (MANE Select); coding-DNA position 3408, G replaced by T.
Protein change: p.Leu1136Phe; replaces leucine 1136 with phenylalanine.
Molecular consequence: missense variant.
Genome position (GRCh38, 1-based): chr1:155,479,462, C>A on the plus strand (G>T on the coding strand, the complement: ASH1L is on the minus strand). VCF-style: chr1-155479462-C-A. GRCh37 (hg19) VCF-style: chr1-155449253-C-A.
Other names: c.3408G>T, p.Leu1136Phe (NM_001366177.2); short protein forms L1136F.
Identifiers: ClinVar variation 2233749 (VCV002233749.3), dbSNP rs201358541, ClinGen allele CA1147084.

ClinVar aggregate classification (germline): Likely benign. Review status: criteria provided, multiple submitters, no conflicts (2 of 4 stars). 2 submissions from 2 submitters: Likely benign (2). Last evaluated 2026-08-01.

Conditions:
Inborn genetic diseases. Identifiers: MedGen C0950123, MeSH D030342.

Allele frequency attached by ClinVar (database versions not stated): gnomAD exomes 0.00003; 1000 Genomes Project 0.00020; 1000 Genomes Project 30x 0.00031; TOPMed 0.00001; ExAC 0.00002; gnomAD 0.00003.
gnomAD v4.1: 47 of 1,614,154 alleles (0.0029%); highest among the groups gnomAD compares: South Asian, 0.033%; no homozygotes.

Submissions (2):

CeGaT Center for Human Genetics Tuebingen
Classification: Likely benign. Last evaluated: 2026-08-01. Review status: criteria provided, single submitter. Criteria: CeGaT Center For Human Genetics Tuebingen Variant Classification Criteria Version 2. Collection method: clinical testing. Allele origin: germline. Affected: yes. Observed: 1 variant allele.
Comment: ASH1L: BS1

Ambry Genetics
Classification: Likely benign for Inborn genetic diseases. Last evaluated: 2021-06-29. Review status: criteria provided, single submitter. Criteria: Ambry Variant Classification Scheme 2023. Collection method: clinical testing. Allele origin: germline.